The following is an entry in ClinVar:

ClinVar aggregate classification (germline): Uncertain significance. Review status: criteria provided, multiple submitters, no conflicts (2 of 4 stars). 2 submissions from 2 submitters: Uncertain significance (2). Last evaluated 2026-01-14.

Conditions:
Ataxia-telangiectasia syndrome (AT). Also called: AT, COMPLEMENTATION GROUP C; Ataxia telangiectasia (A-T); LOUIS-BAR SYNDROME; Ataxia-telangiectasia, complementation group D; Ataxia-telangiectasia, complementation group E; ATAXIA-TELANGIECTASIA, COMPLEMENTATION GROUP A. Identifiers: Orphanet 100, MedGen C0004135, MONDO:0008840, OMIM 208900.
Hereditary cancer-predisposing syndrome. Also called: Hereditary Cancer Syndrome; Tumor predisposition; Neoplastic Syndromes, Hereditary; Hereditary neoplastic syndrome. Identifiers: Orphanet 140162, MedGen C0027672, MeSH D009386, MONDO:0015356.

Submissions (2):

Labcorp Genetics (formerly Invitae), Labcorp
Classification: Uncertain significance for Ataxia-telangiectasia syndrome. Last evaluated: 2026-01-14. Review status: criteria provided, single submitter. Criteria: Invitae Variant Classification Sherloc (09022015). Collection method: clinical testing. Allele origin: germline.
Comment: This sequence change replaces arginine, which is basic and polar, with serine, which is neutral and polar, at codon 777 of the ATM protein (p.Arg777Ser). This variant is not present in population databases (gnomAD no frequency). This variant has not been reported in the literature in individuals affected with ATM-related conditions. ClinVar contains an entry for this variant (Variation ID: 2104010). Invitae Evidence Modeling of protein sequence and biophysical properties (such as structural, functional, and spatial information, amino acid conservation, physicochemical variation, residue mobility, and thermodynamic stability) indicates that this missense variant is not expected to disrupt ATM protein function with a negative predictive value of 95%. In summary, the available evidence is currently insufficient to determine the role of this variant in disease. Therefore, it has been classified as a Variant of Uncertain Significance.

Ambry Genetics
Classification: Uncertain significance for Hereditary cancer-predisposing syndrome. Last evaluated: 2024-06-20. Review status: criteria provided, single submitter. Criteria: Ambry Variant Classification Scheme 2023. Collection method: clinical testing. Allele origin: germline.
Comment: The p.R777S variant (also known as c.2331A>T), located in coding exon 14 of the ATM gene, results from an A to T substitution at nucleotide position 2331. The arginine at codon 777 is replaced by serine, an amino acid with dissimilar properties. This amino acid position is conserved. In addition, the in silico prediction for this alteration is inconclusive. Based on the available evidence, the clinical significance of this variant remains unclear.

NM_000051.4(ATM):c.2331A>T (p.Arg777Ser)

Gene: ATM (ATM serine/threonine kinase; plus strand). Cytogenetic location: 11q22.3.
Variant type: single nucleotide variant.
Coding change: c.2331A>T on transcript NM_000051.4 (MANE Select); coding-DNA position 2331, A replaced by T.
Protein change: p.Arg777Ser; replaces arginine 777 with serine.
Molecular consequence: missense variant.
Genome position (GRCh38, 1-based): chr11:108,257,561, A>T. VCF-style: chr11-108257561-A-T. GRCh37 (hg19) VCF-style: chr11-108128288-A-T.
Other names: c.2331A>T, p.Arg777Ser (NM_001351834.2); short protein forms R777S.
Identifiers: ClinVar variation 2104010 (VCV002104010.5), dbSNP rs1313482346, ClinGen allele CA382540042.